The following is an entry in ClinVar:

ClinVar aggregate classification (germline): Uncertain significance (1 of 4 stars; one submission).

Conditions:
Charcot-Marie-Tooth disease type 2. Also called: Charcot-Marie-Tooth type 2. Identifiers: Orphanet 64746, MedGen C0270914, MONDO:0018993.

Allele frequency attached by ClinVar (database versions not stated): TOPMed 0.00002; gnomAD exomes 0.00001.
gnomAD v4.1: 3 of 1,614,196 alleles (0.00019%); highest among the groups gnomAD compares: African/African-American, 0.0013%; no homozygotes.

Submission:

Labcorp Genetics (formerly Invitae), Labcorp
Classification: Uncertain significance for Charcot-Marie-Tooth disease type 2. Last evaluated: 2025-08-17. Review status: criteria provided, single submitter. Criteria: Invitae Variant Classification Sherloc (09022015). Collection method: clinical testing. Allele origin: germline.
Comment: This sequence change replaces methionine, which is neutral and non-polar, with valine, which is neutral and non-polar, at codon 390 of the GARS protein (p.Met390Val). This variant is present in population databases (no rsID available, gnomAD 0.002%). This variant has not been reported in the literature in individuals affected with GARS-related conditions. ClinVar contains an entry for this variant (Variation ID: 2051765). Invitae Evidence Modeling of protein sequence and biophysical properties (such as structural, functional, and spatial information, amino acid conservation, physicochemical variation, residue mobility, and thermodynamic stability) indicates that this missense variant is not expected to disrupt GARS protein function with a negative predictive value of 80%. In summary, the available evidence is currently insufficient to determine the role of this variant in disease. Therefore, it has been classified as a Variant of Uncertain Significance.

NM_002047.4(GARS1):c.1168A>G (p.Met390Val)

Gene: GARS1 (glycyl-tRNA synthetase 1; plus strand). Cytogenetic location: 7p14.3.
Variant type: single nucleotide variant.
Coding change: c.1168A>G on transcript NM_002047.4 (MANE Select); coding-DNA position 1168, A replaced by G.
Protein change: p.Met390Val; replaces methionine 390 with valine.
Molecular consequence: missense variant.
Genome position (GRCh38, 1-based): chr7:30,616,032, A>G. VCF-style: chr7-30616032-A-G. GRCh37 (hg19) VCF-style: chr7-30655648-A-G.
Other names: c.1006A>G, p.Met336Val (NM_001316772.1); short protein forms M336V, M390V.
Identifiers: ClinVar variation 2051765 (VCV002051765.4), dbSNP rs1240975328, ClinGen allele CA367126493.